The following is an entry in ClinVar:

ClinVar aggregate classification (germline): Uncertain significance (1 of 4 stars; one submission).

Allele frequency attached by ClinVar (database versions not stated): gnomAD exomes below 0.00001 and 0.00001; gnomAD 0.00001; TOPMed 0.00002.
gnomAD v4.1: 5 of 1,610,798 alleles (0.00031%); highest among the groups gnomAD compares: Admixed American, 0.0017%; no homozygotes.

Submission:

GeneDx
Classification: Uncertain significance. Last evaluated: 2020-10-30. Review status: criteria provided, single submitter. Criteria: GeneDx Variant Classification Process June 2021. Collection method: clinical testing. Allele origin: germline. Affected: yes.
Comment: Not observed at a significant frequency in large population cohorts (Lek et al., 2016); In silico analysis supports that this missense variant has a deleterious effect on protein structure/function; Has not been previously published as pathogenic or benign to our knowledge

NM_003922.4(HERC1):c.13090C>G (p.Pro4364Ala)

Gene: HERC1 (HECT and RLD domain containing E3 ubiquitin protein ligase family member 1; minus strand). Cytogenetic location: 15q22.31.
Variant type: single nucleotide variant.
Coding change: c.13090C>G on transcript NM_003922.4 (MANE Select); coding-DNA position 13090, C replaced by G.
Protein change: p.Pro4364Ala; replaces proline 4364 with alanine.
Molecular consequence: missense variant.
Genome position (GRCh38, 1-based): chr15:63,628,692, G>C on the plus strand (C>G on the coding strand, the complement: HERC1 is on the minus strand). VCF-style: chr15-63628692-G-C. GRCh37 (hg19) VCF-style: chr15-63920891-G-C.
Other names: short protein forms P4364A.
Identifiers: ClinVar variation 1218682 (VCV001218682.3), dbSNP rs1299088309, ClinGen allele CA392735992.